The following is an entry in ClinVar:

ClinVar aggregate classification (germline): Uncertain significance (1 of 4 stars; one submission).

Conditions:
Cognitive impairment - coarse facies - heart defects - obesity - pulmonary involvement - short stature - skeletal dysplasia syndrome. Also called: COGNITIVE IMPAIRMENT, COARSE FACIES, HEART DEFECTS, OBESITY, PULMONARY INVOLVEMENT, SHORT STATURE, AND SKELETAL DYSPLASIA; Chops syndrome; AFF4-Related CHOPS Syndrome. Identifiers: Orphanet 444077, MedGen C4085597, MONDO:0014609, OMIM 616368.

Allele frequency attached by ClinVar (database versions not stated): gnomAD exomes 0.00001; ExAC 0.00002.
gnomAD v4.1: 8 of 1,614,214 alleles (0.0005%); highest among the groups gnomAD compares: Non-Finnish European, 0.000085%; no homozygotes.

Submission:

Labcorp Genetics (formerly Invitae), Labcorp
Classification: Uncertain significance for Cognitive impairment - coarse facies - heart defects - obesity - pulmonary involvement - short stature - skeletal dysplasia syndrome. Last evaluated: 2022-08-10. Review status: criteria provided, single submitter. Criteria: Invitae Variant Classification Sherloc (09022015). Collection method: clinical testing. Allele origin: germline.
Comment: This sequence change replaces aspartic acid, which is acidic and polar, with glycine, which is neutral and non-polar, at codon 426 of the AFF4 protein (p.Asp426Gly). The frequency data for this variant in the population databases is considered unreliable, as metrics indicate poor data quality at this position in the gnomAD database. This variant has not been reported in the literature in individuals affected with AFF4-related conditions. Algorithms developed to predict the effect of missense changes on protein structure and function are either unavailable or do not agree on the potential impact of this missense change (SIFT: "Tolerated"; PolyPhen-2: "Possibly Damaging"; Align-GVGD: "Class C0"). Algorithms developed to predict the effect of sequence changes on RNA splicing suggest that this variant may create or strengthen a splice site. In summary, the available evidence is currently insufficient to determine the role of this variant in disease. Therefore, it has been classified as a Variant of Uncertain Significance.

NM_014423.4(AFF4):c.1277A>G (p.Asp426Gly)

Gene: AFF4 (ALF transcription elongation factor 4; minus strand). Cytogenetic location: 5q31.1.
Variant type: single nucleotide variant.
Coding change: c.1277A>G on transcript NM_014423.4 (MANE Select); coding-DNA position 1277, A replaced by G.
Protein change: p.Asp426Gly; replaces aspartic acid 426 with glycine.
Molecular consequence: missense variant.
Genome position (GRCh38, 1-based): chr5:132,898,342, T>C on the plus strand (A>G on the coding strand, the complement: AFF4 is on the minus strand). VCF-style: chr5-132898342-T-C. GRCh37 (hg19) VCF-style: chr5-132234034-T-C.
Other names: short protein forms D426G.
Identifiers: ClinVar variation 2095704 (VCV002095704.4), dbSNP rs766363441, ClinGen allele CA3409136.
Genomic context (GRCh38, chr5:132,898,342, plus strand): 5'-CTTTCACTCTCTGAGTCAGATCCAGAGCTGCTTTCAGATCCACTGTGGCTACTAGAATCA[T>C]CCCTGGAGTTATCTGCTCCTTCACTATTATGGTGTGAAGGTTCAGAGTTACTAAAAGAGA-3'
Protein context (NP_055238.1, residues 416-436): HNSEGADNSR[Asp426Gly]DSSSHSGSES